The following is an entry in ClinVar:

NM_020774.4(MIB1):c.448G>T (p.Gly150Ter)

Gene: MIB1 (MIB E3 ubiquitin protein ligase 1; plus strand). Cytogenetic location: 18q11.2.
Variant type: single nucleotide variant.
Coding change: c.448G>T on transcript NM_020774.4 (MANE Select); coding-DNA position 448, G replaced by T.
Protein change: p.Gly150Ter; replaces glycine 150 with a stop codon.
Molecular consequence: nonsense.
Genome position (GRCh38, 1-based): chr18:21,768,669, G>T. VCF-style: chr18-21768669-G-T. GRCh37 (hg19) VCF-style: chr18-19348630-G-T.
Other names: short protein forms G150*.
Identifiers: ClinVar variation 489200 (VCV000489200.2), dbSNP rs1555689348, ClinGen allele CA401761566.
Genomic context (GRCh38, chr18:21,768,669, plus strand): 5'-AATTTTATTTTTAGGGTTCTGTTAGAGTCTCGTAGGAAATCTAAGAAGATTACAGCCAGA[G>T]GAATCTTTGCAGGTGCCAGAGTGGTGCGAGGAGTGGACTGGCAGTGGGAAGATCAAGATG-3'

ClinVar aggregate classification (germline): Uncertain significance (1 of 4 stars; one submission).

Submission:

GeneDx
Classification: Uncertain significance. Last evaluated: 2017-12-06. Review status: criteria provided, single submitter. Criteria: GeneDx Variant Classification (06012015). Collection method: clinical testing. Allele origin: germline. Affected: yes.
Comment: The G150X variant in the MIB1 gene has not been reported previously as a pathogenic variant nor as a benign variant, to our knowledge. This variant is predicted to cause loss of normal protein function either through protein truncation or nonsense-mediated mRNA decay. The G150X variant is not observed in large population cohorts (Lek et al., 2016). We interpret G150X as a variant of uncertain significance.